The following is an entry in ClinVar:

NM_001379286.1(ZNF423):c.3739G>A (p.Val1247Ile)

Gene: ZNF423 (zinc finger protein 423; minus strand). Cytogenetic location: 16q12.1.
Variant type: single nucleotide variant.
Coding change: c.3739G>A on transcript NM_001379286.1 (MANE Select); coding-DNA position 3739, G replaced by A.
Protein change: p.Val1247Ile; replaces valine 1247 with isoleucine.
Molecular consequence: missense variant.
Genome position (GRCh38, 1-based): chr16:49,523,734, C>T on the plus strand (G>A on the coding strand, the complement: ZNF423 is on the minus strand). VCF-style: chr16-49523734-C-T. GRCh37 (hg19) VCF-style: chr16-49557645-C-T.
Other names: c.3535G>A, p.Val1179Ile (NM_001271620.2); c.3364G>A, p.Val1122Ile (NM_001330533.2); c.3715G>A, p.Val1239Ile (NM_015069.5); c.3715G>A (NM_015069.4, NM_015069.2); short protein forms V1122I, V1179I, V1239I, V1247I.
Identifiers: ClinVar variation 1375504 (VCV001375504.6), dbSNP rs911470655, ClinGen allele CA281168568.

ClinVar aggregate classification (germline): Uncertain significance. Review status: criteria provided, multiple submitters, no conflicts (2 of 4 stars). 3 submissions from 3 submitters: Uncertain significance (3). Last evaluated 2025-07-12.

Conditions:
ZNF423-related disorder. Also called: ZNF423-related condition.
Nephronophthisis 14 (NPHP14). Identifiers: Orphanet 2318, MedGen C3539071, MONDO:0013916, OMIM 614844.

Allele frequency attached by ClinVar (database versions not stated): TOPMed 0.00003; gnomAD 0.00004.
gnomAD v4.1: 14 of 1,613,014 alleles (0.00087%); highest among the groups gnomAD compares: African/African-American, 0.013%; no homozygotes.

Submissions (3):

Ambry Genetics
Classification: Uncertain significance. Last evaluated: 2025-07-12. Review status: criteria provided, single submitter. Criteria: Ambry Variant Classification Scheme 2023. Collection method: clinical testing. Allele origin: germline.

PreventionGenetics, part of Exact Sciences
Classification: Uncertain significance for ZNF423-related condition. Last evaluated: 2023-06-23. Review status: criteria provided, single submitter. Criteria: ACMG Guidelines, 2015. Collection method: clinical testing. Allele origin: germline.
Comment: The ZNF423 c.3715G>A variant is predicted to result in the amino acid substitution p.Val1239Ile. To our knowledge, this variant has not been reported in the literature. This variant is reported in 0.046% of alleles in individuals of African descent in gnomAD. At this time, the clinical significance of this variant is uncertain due to the absence of conclusive functional and genetic evidence.

Labcorp Genetics (formerly Invitae), Labcorp
Classification: Uncertain significance for Nephronophthisis 14. Last evaluated: 2022-07-06. Review status: criteria provided, single submitter. Criteria: Invitae Variant Classification Sherloc (09022015). Collection method: clinical testing. Allele origin: germline.
Comment: This sequence change replaces valine, which is neutral and non-polar, with isoleucine, which is neutral and non-polar, at codon 1239 of the ZNF423 protein (p.Val1239Ile). This variant is present in population databases (no rsID available, gnomAD 0.05%). This variant has not been reported in the literature in individuals affected with ZNF423-related conditions. ClinVar contains an entry for this variant (Variation ID: 1375504). Algorithms developed to predict the effect of missense changes on protein structure and function (SIFT, PolyPhen-2, Align-GVGD) all suggest that this variant is likely to be tolerated. In summary, the available evidence is currently insufficient to determine the role of this variant in disease. Therefore, it has been classified as a Variant of Uncertain Significance.